The following is an entry in ClinVar:

NM_005732.4(RAD50):c.212A>G (p.Lys71Arg)

Gene: RAD50 (RAD50 double strand break repair protein; plus strand). Cytogenetic location: 5q31.1.
Variant type: single nucleotide variant.
Coding change: c.212A>G on transcript NM_005732.4 (MANE Select); coding-DNA position 212, A replaced by G.
Protein change: p.Lys71Arg; replaces lysine 71 with arginine.
Molecular consequence: missense variant.
Genome position (GRCh38, 1-based): chr5:132,559,366, A>G. VCF-style: chr5-132559366-A-G. GRCh37 (hg19) VCF-style: chr5-131895058-A-G.
Other names: short protein forms K71R.
Identifiers: ClinVar variation 408354 (VCV000408354.7), dbSNP rs1060501940, ClinGen allele CA16611711.

ClinVar aggregate classification (germline): Uncertain significance (1 of 4 stars; one submission).

Conditions:
Hereditary cancer-predisposing syndrome. Also called: Hereditary Cancer Syndrome; Hereditary neoplastic syndrome; Neoplastic Syndromes, Hereditary; Tumor predisposition. Identifiers: Orphanet 140162, MedGen C0027672, MeSH D009386, MONDO:0015356.

Submission:

Labcorp Genetics (formerly Invitae), Labcorp
Classification: Uncertain significance for Hereditary cancer-predisposing syndrome. Last evaluated: 2016-07-18. Review status: criteria provided, single submitter. Criteria: Invitae Variant Classification Sherloc (09022015). Collection method: clinical testing. Allele origin: germline.
Comment: In summary, this variant is a novel missense change with uncertain impact on protein function and mRNA splicing. It has been classified as a Variant of Uncertain Significance. Algorithms developed to predict the effect of sequence changes on mRNA splicing suggest that this variant may alter mRNA splicing, but this prediction has not been confirmed by published transcriptional studies. Algorithms developed to predict the effect of missense changes on protein structure and function do not agree on the potential impact of this missense change (SIFT: "Deleterious"; PolyPhen-2: "Possibly Damaging"; Align-GVGD: "Class C0"). This variant is not present in population databases (ExAC no frequency) and has not been reported in the literature in individuals with a RAD50-related disease. This sequence change replaces lysine with arginine at codon 71 of the RAD50 protein (p.Lys71Arg). The lysine residue is highly conserved and there is a small physicochemical difference between lysine and arginine.